The following is an entry in ClinVar:

NM_016373.4(WWOX):c.754C>G (p.Pro252Ala)

Gene: WWOX (WW domain containing oxidoreductase; plus strand). Cytogenetic location: 16q23.1.
Variant type: single nucleotide variant.
Coding change: c.754C>G on transcript NM_016373.4 (MANE Select); coding-DNA position 754, C replaced by G.
Protein change: p.Pro252Ala; replaces proline 252 with alanine.
Molecular consequence: missense variant.
Genome position (GRCh38, 1-based): chr16:78,425,018, C>G. VCF-style: chr16-78425018-C-G. GRCh37 (hg19) VCF-style: chr16-78458915-C-G.
Other names: c.415C>G, p.Pro139Ala (NM_001291997.2); short protein forms P252A, P139A.
Identifiers: ClinVar variation 380943 (VCV000380943.19), dbSNP rs75559202, ClinGen allele CA8183447.

ClinVar aggregate classification (germline): Benign/Likely benign. Review status: criteria provided, multiple submitters, no conflicts (2 of 4 stars). 12 submissions from 11 submitters: Benign (8); Likely benign (1). 3 of the submissions do not count toward it. Last evaluated 2026-02-03.

Conditions:
Autosomal recessive spinocerebellar ataxia 12. Also called: SPINOCEREBELLAR ATAXIA WITH MENTAL RETARDATION AND EPILEPSY. Identifiers: Orphanet 284282, MedGen C3280452, MONDO:0013687, OMIM 614322.
Developmental and epileptic encephalopathy, 28 (DEE28). Also called: Epileptic encephalopathy, early infantile, 28. Identifiers: Orphanet 442835, MedGen C4015519, MONDO:0014533, OMIM 616211.
Malignant tumor of esophagus. Also called: Esophageal cancer, somatic; Esophageal cancer. Identifiers: Orphanet 99977, MedGen C0546837, MONDO:0007576, OMIM 133239.
Developmental and epileptic encephalopathy, 1 (DEE1). Also called: X-linked infantile spasms; West's syndrome; Tonic spasms with clustering, arrest of psychomotor development and hypsarrhythmia on EEG; X-Linked Infantile Spasm Syndrome; OHTAHARA SYNDROME, X-LINKED; INFANTILE SPASM SYNDROME, X-LINKED 1. Identifiers: MedGen C3463992, MONDO:0010632, OMIM 308350. Disease mechanism: loss of function.
Self-limited epilepsy with centrotemporal spikes. Also called: Rolandic epilepsy; Childhood epilepsy with centrotemporal spikes. Identifiers: Orphanet 1945, MedGen C0376532, MONDO:0007295.

Allele frequency attached by ClinVar (database versions not stated): ESP Exome Variant Server 0.00065; gnomAD 0.00684 and 0.01027; TOPMed 0.01096; ExAC 0.02316; gnomAD exomes 0.02351; 1000 Genomes Project 30x 0.04497; 1000 Genomes Project 0.04613.
gnomAD v4.1: 14,417 of 1,614,016 alleles (0.89%); highest among the groups gnomAD compares: East Asian, 7.9%; 562 homozygotes.

Submissions (12):

Labcorp Genetics (formerly Invitae), Labcorp
Classification: Benign for Developmental and epileptic encephalopathy, 1; Autosomal recessive spinocerebellar ataxia 12. Last evaluated: 2026-02-03. Review status: criteria provided, single submitter. Criteria: Invitae Variant Classification Sherloc (09022015). Collection method: clinical testing. Allele origin: germline.

Blueprint Genetics
Classification: Likely benign. Last evaluated: 2024-11-25. Review status: criteria provided, single submitter. Criteria: ACMG Guidelines, 2015. Collection method: clinical testing. Allele origin: germline.

Department of Pathology and Laboratory Medicine, Sinai Health System
Classification: Benign for Malignant tumor of esophagus; Autosomal recessive spinocerebellar ataxia 12; Developmental and epileptic encephalopathy, 28. Last evaluated: 2023-04-05. Review status: criteria provided, single submitter. Criteria: ACMG Guidelines, 2015. Collection method: research. Allele origin: germline.

Genome-Nilou Lab
Classification: Benign for Developmental and epileptic encephalopathy, 28. Last evaluated: 2021-12-05. Review status: criteria provided, single submitter. Criteria: ACMG Guidelines, 2015. Collection method: clinical testing. Allele origin: germline. Affected: no.

Genome-Nilou Lab
Classification: Benign for Autosomal recessive spinocerebellar ataxia 12. Last evaluated: 2021-12-05. Review status: criteria provided, single submitter. Criteria: ACMG Guidelines, 2015. Collection method: clinical testing. Allele origin: germline. Affected: no.

Mayo Clinic Laboratories, Mayo Clinic
Classification: Benign. Last evaluated: 2019-01-11. Review status: criteria provided, single submitter. Criteria: ACMG Guidelines, 2015. Collection method: clinical testing. Allele origin: germline. Observed: 9 variant alleles.

Athena Diagnostics
Classification: Benign. Last evaluated: 2017-07-05. Review status: criteria provided, single submitter. Criteria: Athena Diagnostics Criteria. Collection method: clinical testing. Allele origin: germline.

GeneDx
Classification: Benign. Last evaluated: 2016-01-18. Review status: criteria provided, single submitter. Criteria: GeneDx Variant Classification (06012015). Collection method: clinical testing. Allele origin: germline. Affected: yes.
Comment: This variant is considered likely benign or benign based on one or more of the following criteria: it is a conservative change, it occurs at a poorly conserved position in the protein, it is predicted to be benign by multiple in silico algorithms, and/or has population frequency not consistent with disease.

Breakthrough Genomics
Classification: Benign. Review status: criteria provided, single submitter. Criteria: ACMG Guidelines, 2015. Collection method: not provided. Allele origin: germline. Inheritance: Autosomal recessive inheritance. Affected: yes.

Bioinformatics Core, Luxembourg Center for Systems Biomedicine
Classification: Pathogenic for Self-limited epilepsy with centrotemporal spikes. Last evaluated: 2017-01-01. Review status: no assertion criteria provided. Collection method: case-control. Allele origin: germline. Affected: yes. Study: EUROEPINOMICS COGIE. Not counted in ClinVar's aggregate classification.

Genome Diagnostics Laboratory, University Medical Center Utrecht
Classification: Likely benign. Review status: no assertion criteria provided. Collection method: clinical testing. Allele origin: germline. Affected: yes. Study: VKGL Data-share Consensus. Not counted in ClinVar's aggregate classification.

Laboratory of Diagnostic Genome Analysis, Leiden University Medical Center (LUMC)
Classification: Likely benign. Review status: no assertion criteria provided. Collection method: clinical testing. Allele origin: germline. Affected: yes. Study: VKGL Data-share Consensus. Not counted in ClinVar's aggregate classification.

Literature cited by the submitters: PubMed 29358611 (cited by Bioinformatics Core, Luxembourg Center for Systems Biomedicine).